The following is an entry in ClinVar:

ClinVar aggregate classification (germline): Uncertain significance (1 of 4 stars; one submission).

Submission:

Ambry Genetics
Classification: Uncertain significance. Last evaluated: 2026-07-09. Review status: criteria provided, single submitter. Criteria: Ambry Variant Classification Scheme 2023. Collection method: clinical testing. Allele origin: germline.
Comment: The p.H147R variant (also known as c.440A>G), located in coding exon 3 of the MYOM1 gene, results from an A to G substitution at nucleotide position 440. The histidine at codon 147 is replaced by arginine, an amino acid with highly similar properties. This amino acid position is conserved. In addition, this alteration is predicted to be tolerated by in silico analysis. Based on the available evidence, the clinical significance of this variant remains unclear.

NM_003803.4(MYOM1):c.440A>G (p.His147Arg)

Gene: MYOM1 (myomesin 1; minus strand). Cytogenetic location: 18p11.31.
Variant type: single nucleotide variant.
Coding change: c.440A>G on transcript NM_003803.4 (MANE Select); coding-DNA position 440, A replaced by G.
Protein change: p.His147Arg; replaces histidine 147 with arginine.
Molecular consequence: missense variant.
Genome position (GRCh38, 1-based): chr18:3,189,079, T>C on the plus strand (A>G on the coding strand, the complement: MYOM1 is on the minus strand). VCF-style: chr18-3189079-T-C. GRCh37 (hg19) VCF-style: chr18-3189077-T-C.
Other names: c.440A>G, p.His147Arg (NM_019856.2); short protein forms H147R.
Identifiers: ClinVar variation 5025264 (VCV005025264.1).